The following is an entry in ClinVar:

NM_004104.5(FASN):c.1430G>A (p.Arg477His)

Gene: FASN (fatty acid synthase; minus strand). Cytogenetic location: 17q25.3.
Variant type: single nucleotide variant.
Coding change: c.1430G>A on transcript NM_004104.5 (MANE Select); coding-DNA position 1430, G replaced by A.
Protein change: p.Arg477His; replaces arginine 477 with histidine.
Molecular consequence: missense variant.
Genome position (GRCh38, 1-based): chr17:82,091,284, C>T on the plus strand (G>A on the coding strand, the complement: FASN is on the minus strand). VCF-style: chr17-82091284-C-T. GRCh37 (hg19) VCF-style: chr17-80049160-C-T.
Other names: short protein forms R477H.
Identifiers: ClinVar variation 1019672 (VCV001019672.8), dbSNP rs113931914, ClinGen allele CA8853169.
Genomic context (GRCh38, chr17:82,091,284, plus strand): 5'-GAGCAGATGAACCAGAGCGGGCGCTCGCCAGCGGGCACCTGCTGCACCTCTGGGCCACCG[C>T]GCTCACCACCCAGCACAGCGTAGCCACGGAAGGGCATGGCGGTGGCGGGGACAGCCGCGA-3'
Protein context (NP_004095.4, residues 467-487): FRGYAVLGGE[Arg477His]GGPEVQQVPA

ClinVar aggregate classification (germline): Uncertain significance (1 of 4 stars; one submission).

Conditions:
Epileptic encephalopathy. Identifiers: MedGen C0543888, HP:0200134.

Allele frequency attached by ClinVar (database versions not stated): TOPMed 0.00007; ESP Exome Variant Server 0.00008.

Submission:

Labcorp Genetics (formerly Invitae), Labcorp
Classification: Uncertain significance for Epileptic encephalopathy. Last evaluated: 2022-10-07. Review status: criteria provided, single submitter. Criteria: Invitae Variant Classification Sherloc (09022015). Collection method: clinical testing. Allele origin: germline.
Comment: This sequence change replaces arginine, which is basic and polar, with histidine, which is basic and polar, at codon 477 of the FASN protein (p.Arg477His). This variant is present in population databases (rs113931914, gnomAD 0.01%). This variant has not been reported in the literature in individuals affected with FASN-related conditions. ClinVar contains an entry for this variant (Variation ID: 1019672). Algorithms developed to predict the effect of missense changes on protein structure and function output the following: SIFT: "Tolerated"; PolyPhen-2: "Benign"; Align-GVGD: "Class C0". The histidine amino acid residue is found in multiple mammalian species, which suggests that this missense change does not adversely affect protein function. In summary, the available evidence is currently insufficient to determine the role of this variant in disease. Therefore, it has been classified as a Variant of Uncertain Significance.